The following is an entry in ClinVar:

ClinVar aggregate classification (germline): Conflicting classifications of pathogenicity. Review status: criteria provided, conflicting classifications (1 of 4 stars). 6 submissions from 6 submitters: Uncertain significance (3); Benign (1); Likely benign (1). 1 of the submissions does not count toward it. Last evaluated 2026-01-31.

Conditions:
DNAI2-related disorder. Also called: DNAI2-related condition.
Primary ciliary dyskinesia. Also called: Ciliary dyskinesia. Identifiers: Orphanet 244, MedGen C0008780, MONDO:0016575, HP:0012265.
Primary ciliary dyskinesia 9. Also called: CILIARY DYSKINESIA, PRIMARY, 9, WITH OR WITHOUT SITUS INVERSUS. Identifiers: Orphanet 244, MedGen C2676235, MONDO:0012906, OMIM 612444.

Allele frequency attached by ClinVar (database versions not stated): ExAC 0.00038; gnomAD 0.00092; 1000 Genomes Project 30x 0.00109; TOPMed 0.00132; 1000 Genomes Project 0.00140; ESP Exome Variant Server 0.00146.
gnomAD v4.1: 389 of 1,614,216 alleles (0.024%); highest among the groups gnomAD compares: African/African-American, 0.4%; 1 homozygote.

Submissions (6):

Labcorp Genetics (formerly Invitae), Labcorp
Classification: Likely benign for Primary ciliary dyskinesia. Last evaluated: 2026-01-31. Review status: criteria provided, single submitter. Criteria: Invitae Variant Classification Sherloc (09022015). Collection method: clinical testing. Allele origin: germline.

Mayo Clinic Laboratories, Mayo Clinic
Classification: Uncertain significance. Last evaluated: 2025-01-18. Review status: criteria provided, single submitter. Criteria: ACMG Guidelines, 2015. Collection method: clinical testing. Allele origin: germline. Observed: 1 variant allele.

Blueprint Genetics
Classification: Uncertain significance. Last evaluated: 2024-07-15. Review status: criteria provided, single submitter. Criteria: ACMG Guidelines, 2015. Collection method: clinical testing. Allele origin: germline.

Illumina Laboratory Services, Illumina
Classification: Uncertain significance for Primary ciliary dyskinesia 9. Last evaluated: 2018-01-13. Review status: criteria provided, single submitter. Criteria: ICSL Variant Classification Criteria 13 December 2019. Collection method: clinical testing. Allele origin: germline.

Ambry Genetics
Classification: Benign for Primary ciliary dyskinesia. Last evaluated: 2014-09-23. Review status: criteria provided, single submitter. Criteria: Ambry Variant Classification Scheme 2023. Collection method: clinical testing. Allele origin: germline.

PreventionGenetics, part of Exact Sciences
Classification: Likely benign for DNAI2-related condition. Last evaluated: 2023-10-17. Review status: no assertion criteria provided. Collection method: clinical testing. Allele origin: germline. Not counted in ClinVar's aggregate classification.
Comment: This variant is classified as likely benign based on ACMG/AMP sequence variant interpretation guidelines (Richards et al. 2015 PMID: 25741868, with internal and published modifications).

NM_023036.6(DNAI2):c.197G>T (p.Arg66Leu)

Gene: DNAI2 (dynein axonemal intermediate chain 2; plus strand). Cytogenetic location: 17q25.1.
Variant type: single nucleotide variant.
Coding change: c.197G>T on transcript NM_023036.6 (MANE Select); coding-DNA position 197, G replaced by T.
Protein change: p.Arg66Leu; replaces arginine 66 with leucine.
Molecular consequence: missense variant. On other transcripts: non-coding transcript variant (1).
Genome position (GRCh38, 1-based): chr17:74,285,053, G>T. VCF-style: chr17-74285053-G-T. GRCh37 (hg19) VCF-style: chr17-72281192-G-T.
Other names: p.Arg66Leu; c.197G>T, p.Arg66Leu (NM_001172810.3, NM_001353167.2); short protein forms R66L.
Identifiers: ClinVar variation 415315 (VCV000415315.20), dbSNP rs147470752, ClinGen allele CA8745291.